The following is an entry in ClinVar:

ClinVar aggregate classification (germline): Uncertain significance (1 of 4 stars; one submission).

Conditions:
Hereditary cancer-predisposing syndrome. Also called: Neoplastic Syndromes, Hereditary; Tumor predisposition; Hereditary neoplastic syndrome; Hereditary Cancer Syndrome. Identifiers: Orphanet 140162, MedGen C0027672, MeSH D009386, MONDO:0015356.

Submission:

Ambry Genetics
Classification: Uncertain significance for Hereditary cancer-predisposing syndrome. Last evaluated: 2025-10-08. Review status: criteria provided, single submitter. Criteria: Ambry Variant Classification Scheme 2023. Collection method: clinical testing. Allele origin: germline.
Comment: The c.1388_1390delTGCinsAGG variant (also known as p.M463_Q464delinsKE), located in coding exon 2 of the MET gene, results from an in-frame deletion of TGC and insertion of AGG at nucleotide positions 1388 to 1390. This results in the substitution of methionine and glutamine residues for a lysine and glutamate residue at codon 463 and 464. This amino acid region is well conserved in available vertebrate species. In addition, this alteration is predicted to be deleterious by in silico analysis (Choi Y et al. PLoS ONE. 2012; 7(10):e46688). Since supporting evidence is limited at this time, the clinical significance of this alteration remains unclear.

NM_000245.4(MET):c.1388_1390delinsAGG (p.Met463_Gln464delinsLysGlu)

Gene: MET (MET proto-oncogene, receptor tyrosine kinase; plus strand). Cytogenetic location: 7q31.2.
Variant type: Indel.
Coding change: c.1388_1390delinsAGG on transcript NM_000245.4 (MANE Select); coding-DNA positions 1388 to 1390, TGC replaced by AGG.
Protein change: p.Met463_Gln464delinsLysGlu.
Molecular consequence: missense variant.
Genome position (GRCh38, 1-based): chr7:116,731,855-116,731,857, TGC replaced by AGG. VCF-style: chr7-116731855-TGC-AGG. GRCh37 (hg19) VCF-style: chr7-116371909-TGC-AGG.
Other names: c.1388_1390delinsAGG, p.Met463_Gln464delinsLysGlu (NM_001127500.3, NM_001324401.3); c.98_100delinsAGG, p.Met33_Gln34delinsLysGlu (NM_001324402.2).
Identifiers: ClinVar variation 3232908 (VCV003232908.2), dbSNP rs2485614277, ClinGen allele CA2825001504.